The following is an entry in ClinVar:

NM_001220.5(CAMK2B):c.220G>A (p.Val74Met)

Gene: CAMK2B (calcium/calmodulin dependent protein kinase II beta; minus strand). Cytogenetic location: 7p13.
Variant type: single nucleotide variant.
Coding change: c.220G>A on transcript NM_001220.5 (MANE Select); coding-DNA position 220, G replaced by A.
Protein change: p.Val74Met; replaces valine 74 with methionine.
Molecular consequence: missense variant.
Genome position (GRCh38, 1-based): chr7:44,263,005, C>T on the plus strand (G>A on the coding strand, the complement: CAMK2B is on the minus strand). VCF-style: chr7-44263005-C-T. GRCh37 (hg19) VCF-style: chr7-44302604-C-T.
Other names: c.220G>A, p.Val74Met (NM_172083.3, NM_172084.3, NM_001293170.2 and 5 more transcripts); short protein forms V74M.
Identifiers: ClinVar variation 2800529 (VCV002800529.3), dbSNP rs2486982180, ClinGen allele CA367373391.

ClinVar aggregate classification (germline): Uncertain significance (1 of 4 stars; one submission).

Submission:

Labcorp Genetics (formerly Invitae), Labcorp
Classification: Uncertain significance. Last evaluated: 2025-08-11. Review status: criteria provided, single submitter. Criteria: Invitae Variant Classification Sherloc (09022015). Collection method: clinical testing. Allele origin: germline.
Comment: This sequence change replaces valine, which is neutral and non-polar, with methionine, which is neutral and non-polar, at codon 74 of the CAMK2B protein (p.Val74Met). This variant also falls at the last nucleotide of exon 3, which is part of the consensus splice site for this exon. This variant is not present in population databases (gnomAD no frequency). This variant has not been reported in the literature in individuals affected with CAMK2B-related conditions. ClinVar contains an entry for this variant (Variation ID: 2800529). An algorithm developed to predict the effect of missense changes on protein structure and function (PolyPhen-2) suggests that this variant is likely to be disruptive. Variants that disrupt the consensus splice site are a relatively common cause of aberrant splicing (PMID: 17576681, 9536098). Algorithms developed to predict the effect of sequence changes on RNA splicing suggest that this variant may disrupt the consensus splice site. In summary, the available evidence is currently insufficient to determine the role of this variant in disease. Therefore, it has been classified as a Variant of Uncertain Significance.

Literature cited by the submitters: PubMed 17576681; PubMed 9536098.